The following is an entry in ClinVar:

NM_024757.5(EHMT1):c.756del (p.Phe253fs)

Gene: EHMT1 (euchromatic histone lysine methyltransferase 1; plus strand). Cytogenetic location: 9q34.3.
Variant type: Deletion.
Coding change: c.756del on transcript NM_024757.5 (MANE Select); coding-DNA position 756, one base deleted (C; older notation c.756delC).
Protein change: p.Phe253fs; shifts the reading frame from phenylalanine 253.
Molecular consequence: frameshift variant.
Genome position (GRCh38, 1-based): chr9:137,728,462, C deleted; the last of 6 consecutive C bases (chr9:137,728,457-137,728,462); deleting any one gives the same sequence. VCF-style (leftmost placement, unchanged base first): chr9-137728456-AC-A. GRCh37 (hg19) VCF-style: chr9-140622908-AC-A.
Other names: c.756del, p.Phe253fs (NM_001145527.2, NM_001354263.2, NM_001354611.2); c.663del, p.Phe222fs (NM_001354259.2, NM_001354612.2); short protein forms F222fs, F253fs.
Identifiers: ClinVar variation 524134 (VCV000524134.3), dbSNP rs1554852664, ClinGen allele CA658797391.
Genomic context (GRCh38, chr9:137,728,456, plus strand): 5'-TAAGGAACCAAAAGAGGAGATCAACAAAAACATTTCTGACTTTGGACGACAGCAGCTTTT[AC>A]CCCCCTTCCCATCCCTTCATCAGTCGCTACCTCAGAACCAGTGCTACATGGCCACCACAA-3'

ClinVar aggregate classification (germline): Pathogenic. Review status: criteria provided, multiple submitters, no conflicts (2 of 4 stars). 2 submissions from 2 submitters: Pathogenic (2). Last evaluated 2025-06-23.

Conditions:
Kleefstra syndrome 1 (KLEFS1). Identifiers: Orphanet 261494, MedGen C0795833, MONDO:0027407, OMIM 610253.

Submissions (2):

3billion
Classification: Pathogenic for Kleefstra syndrome 1. Last evaluated: 2025-06-23. Review status: criteria provided, single submitter. Criteria: ACMG Guidelines, 2015. Collection method: clinical testing. Allele origin: germline. Affected: yes.
Comment: The variant is not observed in the gnomAD v4.1.0 dataset. Predicted Consequence/Location: Frameshift: predicted to result in a loss or disruption of normal protein function through nonsense-mediated decay (NMD) or protein truncation. Multiple pathogenic variants are reported downstream of the variant. The variant has been reported to be associated with EHMT1-related disorder (ClinVar ID: VCV000524134). Therefore, this variant is classified as Pathogenic according to the recommendation of ACMG/AMP guideline.

GeneDx
Classification: Pathogenic. Last evaluated: 2018-05-01. Review status: criteria provided, single submitter. Criteria: GeneDx Variant Classification (06012015). Collection method: clinical testing. Allele origin: germline. Affected: yes.
Comment: The c.756delC variant in the EHMT1 gene has not been reported previously as a pathogenic variant nor as a benign variant, to our knowledge. The c.756delC variant causes a frameshift starting with codon Phenylalanine 253, changes this amino acid to a Serine residue, and creates a premature Stop codon at position 29 of the new reading frame, denoted p.Phe253SerfsX29. This variant is predicted to cause loss of normal protein function either through protein truncation or nonsense-mediated mRNA decay. The c.756delC variant is not observed in large population cohorts (Lek et al., 2016). We interpret c.756delC as a pathogenic variant.